The following is an entry in ClinVar:

NM_004415.4(DSP):c.808C>T (p.Arg270Ter)

Gene: DSP (desmoplakin; plus strand). Cytogenetic location: 6p24.3.
Variant type: single nucleotide variant.
Coding change: c.808C>T on transcript NM_004415.4 (MANE Select); coding-DNA position 808, C replaced by T.
Protein change: p.Arg270Ter; replaces arginine 270 with a stop codon.
Molecular consequence: nonsense.
Genome position (GRCh38, 1-based): chr6:7,565,389, C>T. VCF-style: chr6-7565389-C-T. GRCh37 (hg19) VCF-style: chr6-7565622-C-T.
Other names: c.808C>T, p.Arg270Ter (NM_001008844.3, NM_001319034.2, NM_001406591.1); short protein forms R270*.
Identifiers: ClinVar variation 2136361 (VCV002136361.6), dbSNP rs1225658091, ClinGen allele CA362674078.

ClinVar aggregate classification (germline): Pathogenic/Likely pathogenic. Review status: criteria provided, multiple submitters, no conflicts (2 of 4 stars). 3 submissions from 3 submitters: Pathogenic (2); Likely pathogenic (1). Last evaluated 2024-08-27.

Conditions:
Cardiovascular phenotype. Identifiers: MedGen CN230736.
DSP-related disorder. Also called: DSP-related disorders; DSP-related condition.
Arrhythmogenic cardiomyopathy with wooly hair and keratoderma. Also called: PALMOPLANTAR KERATODERMA WITH LEFT VENTRICULAR CARDIOMYOPATHY AND WOOLLY HAIR; Arrhythmogenic cardiomyopathy with woolly hair and keratoderma; Carvajal syndrome; Dilated cardiomyopathy with woolly hair and keratoderma. Identifiers: Orphanet 65282, MedGen C1854063, MONDO:0011581, OMIM 605676.
Arrhythmogenic right ventricular dysplasia 8 (ARVD8). Also called: ARRHYTHMOGENIC RIGHT VENTRICULAR DYSPLASIA, FAMILIAL, 8; ARRHYTHMOGENIC RIGHT VENTRICULAR CARDIOMYOPATHY 8; Arrhythmogenic Right Ventricular Dysplasia/Cardiomyopathy 8. Identifiers: MedGen C1843896, MONDO:0011831, OMIM 607450.

Allele frequency attached by ClinVar (database versions not stated): gnomAD exomes below 0.00001.
gnomAD v4.1: 1 of 1,614,044 alleles (0.000062%); highest among the groups gnomAD compares: South Asian, 0.0011%; no homozygotes.

Submissions (3):

Ambry Genetics
Classification: Pathogenic for Cardiovascular phenotype. Last evaluated: 2024-08-27. Review status: criteria provided, single submitter. Criteria: Ambry Variant Classification Scheme 2023. Collection method: clinical testing. Allele origin: germline.
Comment: The p.R270* pathogenic mutation (also known as c.808C>T), located in coding exon 7 of the DSP gene, results from a C to T substitution at nucleotide position 808. This changes the amino acid from an arginine to a stop codon within coding exon 7. This variant was reported in an individual with features consistent with arrhythmogenic right ventricular cardiomyopathy (Protonotarios A et al. Europace, 2016 Apr;18:610-6). This variant is considered to be rare based on population cohorts in the Genome Aggregation Database (gnomAD). In addition to the clinical data presented in the literature, this alteration is expected to result in loss of function by premature protein truncation or nonsense-mediated mRNA decay. As such, this alteration is interpreted as a disease-causing mutation.

Labcorp Genetics (formerly Invitae), Labcorp
Classification: Pathogenic for Arrhythmogenic cardiomyopathy with wooly hair and keratoderma; Arrhythmogenic right ventricular dysplasia 8. Last evaluated: 2024-07-23. Review status: criteria provided, single submitter. Criteria: Invitae Variant Classification Sherloc (09022015). Collection method: clinical testing. Allele origin: germline.
Comment: This sequence change creates a premature translational stop signal (p.Arg270*) in the DSP gene. It is expected to result in an absent or disrupted protein product. Loss-of-function variants in DSP are known to be pathogenic (PMID: 20716751, 24503780, 25227139). This variant is not present in population databases (gnomAD no frequency). This variant has not been reported in the literature in individuals affected with DSP-related conditions. ClinVar contains an entry for this variant (Variation ID: 2136361). For these reasons, this variant has been classified as Pathogenic.

Blueprint Genetics
Classification: Likely pathogenic for DSP-related disorders. Last evaluated: 2019-12-27. Review status: criteria provided, single submitter. Criteria: ACMG Guidelines, 2015. Collection method: clinical testing. Allele origin: germline. Affected: yes. Observed: 1 variant allele.

Literature cited by the submitters: PubMed 25825460 (cited by Ambry Genetics); PubMed 20716751 (cited by Labcorp Genetics (formerly Invitae), Labcorp); PubMed 24503780 (cited by Labcorp Genetics (formerly Invitae), Labcorp); PubMed 25227139 (cited by Labcorp Genetics (formerly Invitae), Labcorp).